The following is an entry in ClinVar:

ClinVar aggregate classification (germline): Uncertain significance. Review status: criteria provided, multiple submitters, no conflicts (2 of 4 stars). 2 submissions from 2 submitters: Uncertain significance (2). Last evaluated 2018-05-25.

Conditions:
Autosomal recessive ataxia, Beauce type. Also called: SYNE1-Related Autosomal Recessive Cerebellar Ataxia; Spinocerebellar ataxia, autosomal recessive 8; ATAXIA, RECESSIVE, OF BEAUCE; SYNE1 Deficiency. Identifiers: Orphanet 88644, MedGen C1853116, MONDO:0012549, OMIM 610743.
Emery-Dreifuss muscular dystrophy 4, autosomal dominant (EDMD4). Also called: EMERY-DREIFUSS MUSCULAR DYSTROPHY 4 WITH VARIABLE FEATURES. Identifiers: Orphanet 261, MedGen C2751807, MONDO:0013071, OMIM 612998.

Allele frequency attached by ClinVar (database versions not stated): TOPMed 0.00001; gnomAD 0.00002; gnomAD exomes below 0.00001.
gnomAD v4.1: 4 of 1,614,110 alleles (0.00025%); highest among the groups gnomAD compares: African/African-American, 0.0053%; no homozygotes.

Submissions (2):

Eurofins Ntd Llc (ga)
Classification: Uncertain significance. Last evaluated: 2018-05-25. Review status: criteria provided, single submitter. Criteria: EGL ClinVar v180209 classification definitions. Collection method: clinical testing. Allele origin: germline. Observed: 1 variant allele, 1 heterozygote.

Labcorp Genetics (formerly Invitae), Labcorp
Classification: Uncertain significance for Emery-Dreifuss muscular dystrophy 4, autosomal dominant; Autosomal recessive ataxia, Beauce type. Last evaluated: 2017-08-31. Review status: criteria provided, single submitter. Criteria: Invitae Variant Classification Sherloc (09022015). Collection method: clinical testing. Allele origin: germline.
Comment: In summary, the available evidence is currently insufficient to determine the role of this variant in disease. Therefore, it has been classified as a Variant of Uncertain Significance. Algorithms developed to predict the effect of missense changes on protein structure and function do not agree on the potential impact of this missense change (SIFT: "Deleterious"; PolyPhen-2: "Benign"; Align-GVGD: "Class C0"). This variant has not been reported in the literature in individuals with SYNE1-related disease. This variant is not present in population databases (ExAC no frequency). This sequence change replaces isoleucine with threonine at codon 8301 of the SYNE1 protein (p.Ile8301Thr). The isoleucine residue is moderately conserved and there is a moderate physicochemical difference between isoleucine and threonine.

NM_182961.4(SYNE1):c.25046T>C (p.Ile8349Thr)

Gene: SYNE1 (spectrin repeat containing nuclear envelope protein 1; minus strand). Cytogenetic location: 6q25.2.
Variant type: single nucleotide variant.
Coding change: c.25046T>C on transcript NM_182961.4 (MANE Select); coding-DNA position 25046, T replaced by C.
Protein change: p.Ile8349Thr; replaces isoleucine 8349 with threonine.
Molecular consequence: missense variant.
Genome position (GRCh38, 1-based): chr6:152,143,696, A>G on the plus strand (T>C on the coding strand, the complement: SYNE1 is on the minus strand). VCF-style: chr6-152143696-A-G. GRCh37 (hg19) VCF-style: chr6-152464831-A-G.
Other names: c.1652T>C, p.Ile551Thr (NM_001347701.2); c.1580T>C, p.Ile527Thr (NM_001347702.2); c.24902T>C, p.Ile8301Thr (NM_033071.5); short protein forms I8349T, I8301T, I551T, I527T.
Identifiers: ClinVar variation 538390 (VCV000538390.12), dbSNP rs927451522, ClinGen allele CA150170126.